The following is an entry in ClinVar:

ClinVar aggregate classification (germline): Uncertain significance (1 of 4 stars; one submission).

Conditions:
Congenital myopathy with internal nuclei and atypical cores. Also called: Myopathy, centronuclear, 4. Identifiers: Orphanet 319160, MedGen C4707232, MONDO:0013890, OMIM 614807.

Allele frequency attached by ClinVar (database versions not stated): gnomAD exomes below 0.00001.

Submission:

Labcorp Genetics (formerly Invitae), Labcorp
Classification: Uncertain significance for Congenital myopathy with internal nuclei and atypical cores. Last evaluated: 2022-07-28. Review status: criteria provided, single submitter. Criteria: Invitae Variant Classification Sherloc (09022015). Collection method: clinical testing. Allele origin: germline.
Comment: In summary, the available evidence is currently insufficient to determine the role of this variant in disease. Therefore, it has been classified as a Variant of Uncertain Significance. This variant is present in population databases (no rsID available, gnomAD 0.004%). This sequence change replaces glutamine, which is neutral and polar, with glutamic acid, which is acidic and polar, at codon 60 of the CCDC78 protein (p.Gln60Glu). This variant has not been reported in the literature in individuals affected with CCDC78-related conditions. Algorithms developed to predict the effect of missense changes on protein structure and function are either unavailable or do not agree on the potential impact of this missense change (SIFT: "Deleterious"; PolyPhen-2: "Possibly Damaging"; Align-GVGD: "Class C0").

NM_001378030.1(CCDC78):c.178C>G (p.Gln60Glu)

Gene: CCDC78 (coiled-coil domain containing 78; minus strand). Cytogenetic location: 16p13.3.
Variant type: single nucleotide variant.
Coding change: c.178C>G on transcript NM_001378030.1 (MANE Select); coding-DNA position 178, C replaced by G.
Protein change: p.Gln60Glu; replaces glutamine 60 with glutamic acid.
Molecular consequence: missense variant. On other transcripts: 5 prime UTR variant (1), non-coding transcript variant (5).
Genome position (GRCh38, 1-based): chr16:725,968, G>C on the plus strand (C>G on the coding strand, the complement: CCDC78 is on the minus strand). VCF-style: chr16-725968-G-C. GRCh37 (hg19) VCF-style: chr16-775968-G-C.
Other names: c.178C>G, p.Gln60Glu (NM_001031737.3, NM_001378031.1); c.-108C>G (NM_001378033.1); short protein forms Q60E.
Identifiers: ClinVar variation 2416819 (VCV002416819.5), dbSNP rs1472515463, ClinGen allele CA394105237.
Genomic context (GRCh38, chr16:725,968, plus strand): 5'-TCTGTGGGCCCTGCTGGCACCCTCCCTCCTCACGAGCACGCTGGGGCCCCACACCCACCT[G>C]CAGCTGCTGCTCCTTATTGAGCGCTAGATCTGGTGGGACCTCTGCTTCCAAGCTGGTGGC-3'
Protein context (NP_001364959.1, residues 50-70): DLALNKEQQL[Gln60Glu]ISKELVDIQI